The following is an entry in ClinVar:

NC_000003.12:g.169764987G>A

Genes: TERC (telomerase RNA component; minus strand), LOC110806306 (telomerase RNA component (TERC) promoter; plus strand). Cytogenetic location: 3q26.2.
Variant type: single nucleotide variant.
Genome position: GRCh38 VCF-style: chr3-169764987-G-A. GRCh37 (hg19) VCF-style: chr3-169482775-G-A.
Identifiers: ClinVar variation 2861072 (VCV002861072.3), dbSNP rs1324875775, ClinGen allele CA436715883.

ClinVar aggregate classification (germline): Uncertain significance (1 of 4 stars; one submission).

Conditions:
Dyskeratosis congenita, autosomal dominant 1 (DKCA1). Also called: Dyskeratosis congenita Scoggins type. Identifiers: Orphanet 1775, MedGen C4551974, MONDO:0007485, OMIM 127550. Inheritance: Variable.

Allele frequency attached by ClinVar (database versions not stated): gnomAD exomes below 0.00001.
gnomAD v4.1: 1 of 765,504 alleles (0.00013%); highest among the groups gnomAD compares: East Asian, 0.0024%; no homozygotes.

Submission:

Labcorp Genetics (formerly Invitae), Labcorp
Classification: Uncertain significance for Dyskeratosis congenita, autosomal dominant 1. Last evaluated: 2023-05-01. Review status: criteria provided, single submitter. Criteria: Invitae Variant Classification Sherloc (09022015). Collection method: clinical testing. Allele origin: germline.
Comment: This variant is located within the template/pseudoknot domain of the TERC RNA component, which is required for RNA or RNP stability (PMID: 15082312, 21844345). In summary, the available evidence is currently insufficient to determine the role of this variant in disease. Therefore, it has been classified as a Variant of Uncertain Significance. This variant is located in a region of TERC in which a significant number of disease causing variants have been reported (PMID: 15082312, 21844345, 21931702). These observations suggest that this may be a clinically significant region. This variant has not been reported in the literature in individuals affected with TERC-related conditions. This variant is present in population databases (no rsID available, gnomAD 0.006%). This variant occurs in the TERC gene, which encodes an RNA molecule that does not result in a protein product.

Literature cited by the submitters: PubMed 15082312; PubMed 21844345; PubMed 21931702.